The following is an entry in ClinVar:

NM_199355.4(ADAMTS18):c.1757G>A (p.Arg586Gln)

Gene: ADAMTS18 (ADAM metallopeptidase with thrombospondin type 1 motif 18; minus strand). Cytogenetic location: 16q23.1.
Variant type: single nucleotide variant.
Coding change: c.1757G>A on transcript NM_199355.4 (MANE Select); coding-DNA position 1757, G replaced by A.
Protein change: p.Arg586Gln; replaces arginine 586 with glutamine.
Molecular consequence: missense variant.
Genome position (GRCh38, 1-based): chr16:77,335,858, C>T on the plus strand (G>A on the coding strand, the complement: ADAMTS18 is on the minus strand). VCF-style: chr16-77335858-C-T. GRCh37 (hg19) VCF-style: chr16-77369755-C-T.
Other names: c.1241G>A, p.Arg414Gln (NM_001326358.2); short protein forms R414Q, R586Q.
Identifiers: ClinVar variation 970099 (VCV000970099.7), dbSNP rs200305277, ClinGen allele CA8181168.
Genomic context (GRCh38, chr16:77,335,858, plus strand): 5'-CCACATGTCCGGGAACATTCTGACCACTTCGACCAGGCGGACCACTGGCCGTGGATGGGC[C>T]GGGGCCCGAGCTCCCCAAACTTTACGCACTGGCCTTGCCGACACCACTGTGAAAAGAACG-3'
Protein context (NP_955387.1, residues 576-596): QCVKFGELGP[Arg586Gln]PIHGQWSAWS

ClinVar aggregate classification (germline): Uncertain significance (1 of 4 stars; one submission).

Allele frequency attached by ClinVar (database versions not stated): gnomAD 0.00004; TOPMed 0.00004; ESP Exome Variant Server 0.00008.
gnomAD v4.1: 35 of 1,614,040 alleles (0.0022%); highest among the groups gnomAD compares: South Asian, 0.0044%; no homozygotes.

Submission:

Labcorp Genetics (formerly Invitae), Labcorp
Classification: Uncertain significance. Last evaluated: 2022-07-25. Review status: criteria provided, single submitter. Criteria: Invitae Variant Classification Sherloc (09022015). Collection method: clinical testing. Allele origin: germline.
Comment: This sequence change replaces arginine, which is basic and polar, with glutamine, which is neutral and polar, at codon 586 of the ADAMTS18 protein (p.Arg586Gln). This variant is present in population databases (rs200305277, gnomAD 0.006%). This variant has not been reported in the literature in individuals affected with ADAMTS18-related conditions. ClinVar contains an entry for this variant (Variation ID: 970099). Algorithms developed to predict the effect of missense changes on protein structure and function are either unavailable or do not agree on the potential impact of this missense change (SIFT: "Not Available"; PolyPhen-2: "Benign"; Align-GVGD: "Not Available"). In summary, the available evidence is currently insufficient to determine the role of this variant in disease. Therefore, it has been classified as a Variant of Uncertain Significance.